The following is an entry in ClinVar:

ClinVar aggregate classification (germline): Uncertain significance (1 of 4 stars; one submission).

Submission:

Quest Diagnostics Nichols Institute San Juan Capistrano
Classification: Uncertain significance. Last evaluated: 2024-10-23. Review status: criteria provided, single submitter. Criteria: Quest Diagnostics criteria. Collection method: clinical testing. Allele origin: unknown.
Comment: The MET c.3990-8T>C variant has not been reported in individuals with MET-related conditions in the published literature. It also has not been reported in large, multi-ethnic general populations (Genome Aggregation Database). Analysis of this variant using software algorithms for the prediction of the effect of nucleotide changes on splicing yielded predictions that this variant does not affect MET mRNA splicing. Based on the available information, we are unable to determine the clinical significance of this variant.

NM_000245.4(MET):c.3936-8T>C

Gene: MET (MET proto-oncogene, receptor tyrosine kinase; plus strand). Cytogenetic location: 7q31.2.
Variant type: single nucleotide variant.
Coding change: c.3936-8T>C on transcript NM_000245.4 (MANE Select); 8 bases into the intron before coding-DNA position 3936, T replaced by C.
Molecular consequence: intron variant.
Genome position (GRCh38, 1-based): chr7:116,795,879, T>C. VCF-style: chr7-116795879-T-C. GRCh37 (hg19) VCF-style: chr7-116435933-T-C.
Other names: c.3990-8T>C (NM_001127500.3); c.2646-8T>C (NM_001324402.2).
Identifiers: ClinVar variation 3572198 (VCV003572198.1).